The following is an entry in ClinVar:

ClinVar aggregate classification (germline): Uncertain significance (1 of 4 stars; one submission).

Conditions:
Neutropenia, severe congenital, 1, autosomal dominant. Identifiers: MedGen C1859966, MONDO:0042490, OMIM 202700.
Cyclical neutropenia. Also called: Cyclic Neutropenia; Cyclic hematopoiesis. Identifiers: Orphanet 2686, MedGen C0221023, MONDO:0008090, OMIM 162800, HP:0040289. Disease mechanism: loss of function.

Submission:

Labcorp Genetics (formerly Invitae), Labcorp
Classification: Uncertain significance for Neutropenia, severe congenital, 1, autosomal dominant; Cyclical neutropenia. Last evaluated: 2022-04-22. Review status: criteria provided, single submitter. Criteria: Invitae Variant Classification Sherloc (09022015). Collection method: clinical testing. Allele origin: germline.
Comment: Algorithms developed to predict the effect of missense changes on protein structure and function are either unavailable or do not agree on the potential impact of this missense change (SIFT: "Deleterious"; PolyPhen-2: "Possibly Damaging"; Align-GVGD: "Class C0"). This sequence change replaces arginine, which is basic and polar, with leucine, which is neutral and non-polar, at codon 34 of the ELANE protein (p.Arg34Leu). This variant is not present in population databases (gnomAD no frequency). This variant has not been reported in the literature in individuals affected with ELANE-related conditions. In summary, the available evidence is currently insufficient to determine the role of this variant in disease. Therefore, it has been classified as a Variant of Uncertain Significance.

NM_001972.4(ELANE):c.101G>T (p.Arg34Leu)

Gene: ELANE (elastase, neutrophil expressed; plus strand). Cytogenetic location: 19p13.3.
Variant type: single nucleotide variant.
Coding change: c.101G>T on transcript NM_001972.4 (MANE Select); coding-DNA position 101, G replaced by T.
Protein change: p.Arg34Leu; replaces arginine 34 with leucine.
Molecular consequence: missense variant.
Genome position (GRCh38, 1-based): chr19:852,909, G>T. VCF-style: chr19-852909-G-T. GRCh37 (hg19) VCF-style: chr19-852909-G-T.
Other names: short protein forms R34L.
Identifiers: ClinVar variation 1956973 (VCV001956973.5), dbSNP rs2512164450, ClinGen allele CA402914381.
Genomic context (GRCh38, chr19:852,909, plus strand): 5'-CAGCACCCGCACCCGGTGTGTCCCCAGGCACCGCGCTGGCCTCGGAGATTGTGGGGGGCC[G>T]GCGAGCGCGGCCCCACGCGTGGCCCTTCATGGTGTCCCTGCAGCTGCGCGGAGGCCACTT-3'
Protein context (NP_001963.1, residues 24-44): TALASEIVGG[Arg34Leu]RARPHAWPFM